The following is an entry in ClinVar:

NM_000179.3(MSH6):c.4001+29_4082del

Gene: MSH6 (mutS homolog 6; plus strand). Cytogenetic location: 2p16.3.
Variant type: Deletion.
Coding change: c.4001+29_4082del on transcript NM_000179.3 (MANE Select); 29 bases into the intron after coding-DNA position 4001 through coding-DNA position 4082, 180 bases deleted.
Molecular consequence: splice acceptor variant.
Genome position (GRCh38, 1-based): chr2:47,806,680-47,806,859, 180 bases deleted. GRCh37 (hg19): chr2:48,033,819-48,033,998.
Other names: c.4001+29_4082del (NM_001406809.1, NM_001406796.1); c.3095+29_3176del (NM_001406811.1, NM_001406814.1, NM_001281493.2 and 6 more transcripts); c.3704+29_3785del (NM_001406805.1, NM_001406797.1, NM_001406818.1 and 8 more transcripts); c.4097+29_4178del (NM_001406795.1); c.3898-99_*63del (NM_001406802.1); c.4007+29_4088del (NM_001406813.1); c.3476+29_3557del (NM_001406807.1, NM_001406799.1, NM_001406806.1); c.4001+29_*63del (NM_001406808.1); and 11 more.
Identifiers: ClinVar variation 4729131 (VCV004729131.1).

ClinVar aggregate classification (germline): Uncertain significance (1 of 4 stars; one submission).

Conditions:
Hereditary nonpolyposis colorectal neoplasms. Identifiers: MedGen C0009405, MeSH D003123.

Submission:

Labcorp Genetics (formerly Invitae), Labcorp
Classification: Uncertain significance for Hereditary nonpolyposis colorectal neoplasms. Last evaluated: 2025-10-13. Review status: criteria provided, single submitter. Criteria: Invitae Variant Classification Sherloc (09022015). Collection method: clinical testing. Allele origin: germline.
Comment: This variant results in the deletion of part of exon 10 (c.4001+29_4082del) of the MSH6 gene. While this variant is not anticipated to result in nonsense mediated decay, it likely alters RNA splicing and results in a disrupted protein product. This variant is not present in population databases (gnomAD no frequency). This variant has not been reported in the literature in individuals affected with MSH6-related conditions. Variants that disrupt the consensus splice site are a relatively common cause of aberrant splicing (PMID: 17576681, 9536098). In summary, the available evidence is currently insufficient to determine the role of this variant in disease. Therefore, it has been classified as a Variant of Uncertain Significance.

Literature cited by the submitters: PubMed 17576681; PubMed 9536098.